The following is an entry in ClinVar:

ClinVar aggregate classification (germline): Likely pathogenic. Review status: criteria provided, multiple submitters, no conflicts (2 of 4 stars). 3 submissions from 3 submitters: Likely pathogenic (3). Last evaluated 2021-12-24.

Conditions:
Hereditary cancer-predisposing syndrome. Also called: Hereditary Cancer Syndrome; Hereditary neoplastic syndrome; Neoplastic Syndromes, Hereditary; Tumor predisposition. Identifiers: Orphanet 140162, MedGen C0027672, MeSH D009386, MONDO:0015356.
RET-related disorder. Also called: RET-related condition; RET-related disease; RET-related disorders.

Submissions (3):

Revvity Omics, Revvity
Classification: Likely pathogenic. Last evaluated: 2021-12-24. Review status: criteria provided, single submitter. Criteria: ACMG Guidelines, 2015. Collection method: clinical testing. Allele origin: germline.

Blueprint Genetics
Classification: Likely pathogenic for RET-related disorders. Last evaluated: 2021-07-02. Review status: criteria provided, single submitter. Criteria: ACMG Guidelines, 2015. Collection method: clinical testing. Allele origin: germline. Affected: yes. Observed: 1 variant allele.

Ambry Genetics
Classification: Likely pathogenic for Hereditary cancer-predisposing syndrome. Last evaluated: 2016-05-25. Review status: criteria provided, single submitter. Criteria: Ambry Variant Classification Scheme 2023. Collection method: clinical testing. Allele origin: germline.
Comment: The c.1760-2_1760-1delAG intronic variant results from a deletion of two nucleotides upstream from coding exon 10 of the RET gene. This variant was not reported in population-based cohorts in the following databases: Database of Single Nucleotide Polymorphisms (dbSNP), NHLBI Exome Sequencing Project (ESP) and 1000 Genomes Project. This nucleotide position is highly conserved in available vertebrate species. The BDGP and ESEfinder splice prediction software predicts that this alteration will abolish the native splice acceptor site; however, direct evidence is unavailable. Alterations that disrupt the canonical splice acceptor site are typically deleterious in nature (ACMG Recommendations for Standards for Interpretation and Reporting of Sequence Variations. Revision 2007. Genet Med. 2008;10:294). As such, the c.1760-2_1760-1delAG variant is classified as likely pathogenic.

Literature cited by the submitters: PubMed 22174939 (cited by Ambry Genetics).

NM_020975.6(RET):c.1760-2_1760-1del

Gene: RET (ret proto-oncogene; plus strand). Cytogenetic location: 10q11.21.
Variant type: Deletion.
Coding change: c.1760-2_1760-1del on transcript NM_020975.6 (MANE Select); the canonical splice acceptor site of the intron before coding-DNA position 1760, 2 bases deleted (AG; older notation c.1760-2_1760-1delAG).
Molecular consequence: splice acceptor variant. On other transcripts: intron variant (2).
Genome position (GRCh38, 1-based): chr10:43,113,554-43,113,555, AG deleted. VCF-style (leftmost placement, unchanged base first): chr10-43113553-CAG-C. GRCh37 (hg19) VCF-style: chr10-43609001-CAG-C.
Other names: c.1760-2_1760-1del (NM_020630.7, NM_001406743.1, NM_001406744.1 and 4 more transcripts); c.1364-2_1364-1del (NM_001406772.1, NM_001406769.1); c.1322-2_1322-1del (NM_001406773.1, NM_001406771.1); c.863-2_863-1del (NM_001406782.1, NM_001406780.1, NM_001406779.1 and 2 more transcripts); c.862+591_862+592del (NM_001406785.1); c.1631-2_1631-1del (NM_001406764.1, NM_001406762.1, NM_001406761.1 and 1 more transcripts); c.1235-2_1235-1del (NM_001406774.1); c.734-2_734-1del (NM_001406786.1, NM_001406783.1); and 7 more.
Identifiers: ClinVar variation 1779564 (VCV001779564.6), dbSNP rs2538480268, ClinGen allele CA2580081703.
Genomic context (GRCh38, chr10:43,113,553, plus strand): 5'-AAATATGGGCGCCTGGGGTGGTCAGGCGCCCCAGGAGGCTGAGTGGGCTACGTCTGCCCT[CAG>C]GGGGCAGCATTGTTGGGGGACACGAGCCTGGGGAGCCCCGGGGGATTAAAGCTGGCTATG-3'